The following is an entry in ClinVar:

ClinVar aggregate classification (germline): Pathogenic. Review status: criteria provided, multiple submitters, no conflicts (2 of 4 stars). 3 submissions from 3 submitters: Pathogenic (3). Last evaluated 2024-04-04.

Conditions:
Exostoses, multiple, type 2 (EXT2). Also called: EXOSTOSES, MULTIPLE, TYPE II; Hereditary Multiple Osteochondromatosis, Type II. Identifiers: Orphanet 321, MedGen C1851413, MONDO:0007586, OMIM 133701.
EXT2-related disorders.

Allele frequency attached by ClinVar (database versions not stated): gnomAD exomes below 0.00001.
gnomAD v4.1: 1 of 1,613,894 alleles (0.000062%); highest among the groups gnomAD compares: Non-Finnish European, 0.000085%; no homozygotes.

Submissions (3):

Labcorp Genetics (formerly Invitae), Labcorp
Classification: Pathogenic for Exostoses, multiple, type 2. Last evaluated: 2024-04-04. Review status: criteria provided, single submitter. Criteria: Invitae Variant Classification Sherloc (09022015). Collection method: clinical testing. Allele origin: germline.
Comment: This sequence change creates a premature translational stop signal (p.Trp180*) in the EXT2 gene. It is expected to result in an absent or disrupted protein product. Loss-of-function variants in EXT2 are known to be pathogenic (PMID: 10679937, 19810120). This variant is not present in population databases (gnomAD no frequency). This premature translational stop signal has been observed in individual(s) with clinical features of autosomal dominant EXT2-related conditions (PMID: 23439489). ClinVar contains an entry for this variant (Variation ID: 1224433). For these reasons, this variant has been classified as Pathogenic.

CeGaT Center for Human Genetics Tuebingen
Classification: Pathogenic. Last evaluated: 2024-02-01. Review status: criteria provided, single submitter. Criteria: CeGaT Center For Human Genetics Tuebingen Variant Classification Criteria Version 2. Collection method: clinical testing. Allele origin: germline. Affected: yes. Observed: 1 variant allele.
Comment: EXT2: PVS1, PM2, PS4:Moderate, PP4

Blueprint Genetics
Classification: Pathogenic for EXT2-related disorders. Last evaluated: 2020-04-02. Review status: criteria provided, single submitter. Criteria: ACMG Guidelines, 2015. Collection method: clinical testing. Allele origin: germline. Affected: yes. Observed: 1 variant allele.

Literature cited by the submitters: PubMed 10679937 (cited by Labcorp Genetics (formerly Invitae), Labcorp); PubMed 19810120 (cited by Labcorp Genetics (formerly Invitae), Labcorp); PubMed 23439489 (cited by Labcorp Genetics (formerly Invitae), Labcorp).

NM_207122.2(EXT2):c.540G>A (p.Trp180Ter)

Gene: EXT2 (exostosin glycosyltransferase 2; plus strand). Cytogenetic location: 11p11.2.
Variant type: single nucleotide variant.
Coding change: c.540G>A on transcript NM_207122.2 (MANE Select); coding-DNA position 540, G replaced by A.
Protein change: p.Trp180Ter; replaces tryptophan 180 with a stop codon.
Molecular consequence: nonsense.
Genome position (GRCh38, 1-based): chr11:44,109,197, G>A. VCF-style: chr11-44109197-G-A. GRCh37 (hg19) VCF-style: chr11-44130747-G-A.
Other names: c.639G>A, p.Trp213Ter (NM_000401.3); c.540G>A, p.Trp180Ter (NM_001178083.3, NM_001389628.1, NM_001389630.1); short protein forms W180*, W213*.
Identifiers: ClinVar variation 1224433 (VCV001224433.27), dbSNP rs2134971524, ClinGen allele CA380180639.